The following is an entry in ClinVar:

NM_001042492.3(NF1):c.448T>G (p.Phe150Val)

Gene: NF1 (neurofibromin 1; plus strand). Cytogenetic location: 17q11.2.
Variant type: single nucleotide variant.
Coding change: c.448T>G on transcript NM_001042492.3 (MANE Select); coding-DNA position 448, T replaced by G.
Protein change: p.Phe150Val; replaces phenylalanine 150 with valine.
Molecular consequence: missense variant.
Genome position (GRCh38, 1-based): chr17:31,163,345, T>G. VCF-style: chr17-31163345-T-G. GRCh37 (hg19) VCF-style: chr17-29490363-T-G.
Other names: c.448T>G, p.Phe150Val (NM_000267.4, NM_001128147.3); short protein forms F150V.
Identifiers: ClinVar variation 1953026 (VCV001953026.5), dbSNP rs2143673399, ClinGen allele CA398981974.

ClinVar aggregate classification (germline): Uncertain significance (1 of 4 stars; one submission).

Conditions:
Neurofibromatosis, type 1 (NF1). Also called: NEUROFIBROMATOSIS, TYPE I, SOMATIC; Peripheral type neurofibromatosis; VON RECKLINGHAUSEN DISEASE; Neurofibromatosis, type I. Identifiers: Orphanet 636, MedGen C0027831, MONDO:0018975, OMIM 162200. Disease mechanism: loss of function.

Submission:

Labcorp Genetics (formerly Invitae), Labcorp
Classification: Uncertain significance for Neurofibromatosis, type 1. Last evaluated: 2023-07-17. Review status: criteria provided, single submitter. Criteria: Invitae Variant Classification Sherloc (09022015). Collection method: clinical testing. Allele origin: germline.
Comment: This variant is not present in population databases (gnomAD no frequency). In summary, the available evidence is currently insufficient to determine the role of this variant in disease. Therefore, it has been classified as a Variant of Uncertain Significance. Advanced modeling of protein sequence and biophysical properties (such as structural, functional, and spatial information, amino acid conservation, physicochemical variation, residue mobility, and thermodynamic stability) performed at Invitae indicates that this missense variant is expected to disrupt NF1 protein function. ClinVar contains an entry for this variant (Variation ID: 1953026). This variant has not been reported in the literature in individuals affected with NF1-related conditions. This sequence change replaces phenylalanine, which is neutral and non-polar, with valine, which is neutral and non-polar, at codon 150 of the NF1 protein (p.Phe150Val).